The following is an entry in ClinVar:

NM_025136.4(OPA3):c.*5565C>T

Genes: OPA3 (outer mitochondrial membrane lipid metabolism regulator OPA3; minus strand), OPA3-RTN2 (OPA3-RTN2 readthrough; minus strand). Cytogenetic location: 19q13.32.
Variant type: single nucleotide variant.
Coding change: c.*5565C>T on transcript NM_025136.4 (MANE Select); 5565 bases downstream of the stop codon, C replaced by T.
Molecular consequence: 3 prime UTR variant. On other transcripts: intron variant (1).
Genome position (GRCh38, 1-based): chr19:45,547,949, G>A on the plus strand (C>T on the coding strand, the complement: OPA3 is on the minus strand). VCF-style: chr19-45547949-G-A. GRCh37 (hg19) VCF-style: chr19-46051207-G-A.
Other names: c.143-18493C>T (NM_001017989.3).
Identifiers: ClinVar variation 894307 (VCV000894307.4), dbSNP rs145816878, ClinGen allele CA308954422.

ClinVar aggregate classification (germline): Conflicting classifications of pathogenicity. Review status: criteria provided, conflicting classifications (1 of 4 stars). 2 submissions from 1 submitter: Uncertain significance (1); Benign (1). Last evaluated 2018-01-12.

Conditions:
3-Methylglutaconic aciduria type 3 (MGCA3). Also called: OPA3, AUTOSOMAL RECESSIVE; OPA3-Related 3-Methylglutaconic Aciduria; Costeff Syndrome; OPTIC ATROPHY 3, AUTOSOMAL RECESSIVE. Identifiers: Orphanet 67047, MedGen C0574084, MONDO:0009787, OMIM 258501.
Optic atrophy 3 (OPA3). Also called: OPTIC ATROPHY 3, AUTOSOMAL DOMINANT; Optic atrophy, cataract, and neurologic disorder; Optic atrophy 3 with cataract. Identifiers: Orphanet 67036, MedGen C1833809, MONDO:0008133, OMIM 165300.

Allele frequency attached by ClinVar (database versions not stated): gnomAD exomes 0.00019; gnomAD 0.00139 and 0.00149; TOPMed 0.00156; 1000 Genomes Project 0.00160; 1000 Genomes Project 30x 0.00187.
gnomAD v4.1: 223 of 222,898 alleles (0.1%); highest among the groups gnomAD compares: African/African-American, 0.48%; no homozygotes.

Submissions (2):

Illumina Laboratory Services, Illumina
Classification: Uncertain significance for 3-Methylglutaconic aciduria type 3. Last evaluated: 2018-01-12. Review status: criteria provided, single submitter. Criteria: ICSL Variant Classification Criteria 13 December 2019. Collection method: clinical testing. Allele origin: germline.

Illumina Laboratory Services, Illumina
Classification: Benign for Optic atrophy 3. Last evaluated: 2018-01-12. Review status: criteria provided, single submitter. Criteria: ICSL Variant Classification Criteria 13 December 2019. Collection method: clinical testing. Allele origin: germline.
Comment: This variant was observed in the ICSL laboratory as part of a predisposition screen in an ostensibly healthy population. It had not been previously curated by ICSL or reported in the Human Gene Mutation Database (HGMD: prior to June 1st, 2018), and was therefore a candidate for classification through an automated scoring system. Utilizing variant allele frequency, disease prevalence and penetrance estimates, and inheritance mode, an automated score was calculated to assess if this variant is too frequent to cause the disease. Based on the score and internal cut-off values, a variant classified as benign is not then subjected to further curation. The score for this variant resulted in a classification of benign for this disease.